The following is an entry in ClinVar:

NM_001414.4(EIF2B1):c.422C>T (p.Ala141Val)

Gene: EIF2B1 (eukaryotic translation initiation factor 2B subunit alpha; minus strand). Cytogenetic location: 12q24.31.
Variant type: single nucleotide variant.
Coding change: c.422C>T on transcript NM_001414.4 (MANE Select); coding-DNA position 422, C replaced by T.
Protein change: p.Ala141Val; replaces alanine 141 with valine.
Molecular consequence: missense variant.
Genome position (GRCh38, 1-based): chr12:123,627,104, G>A on the plus strand (C>T on the coding strand, the complement: EIF2B1 is on the minus strand). VCF-style: chr12-123627104-G-A. GRCh37 (hg19) VCF-style: chr12-124111651-G-A.
Other names: short protein forms A141V.
Identifiers: ClinVar variation 1465594 (VCV001465594.8), dbSNP rs1955154872, ClinGen allele CA387143352.

ClinVar aggregate classification (germline): Uncertain significance (1 of 4 stars; one submission).

Allele frequency attached by ClinVar (database versions not stated): gnomAD exomes below 0.00001; gnomAD 0.00001.
gnomAD v4.1: 4 of 1,614,054 alleles (0.00025%); highest among the groups gnomAD compares: African/African-American, 0.004%; no homozygotes.

Submission:

Labcorp Genetics (formerly Invitae), Labcorp
Classification: Uncertain significance. Last evaluated: 2024-02-26. Review status: criteria provided, single submitter. Criteria: Invitae Variant Classification Sherloc (09022015). Collection method: clinical testing. Allele origin: germline.
Comment: This sequence change replaces alanine, which is neutral and non-polar, with valine, which is neutral and non-polar, at codon 141 of the EIF2B1 protein (p.Ala141Val). This variant is not present in population databases (gnomAD no frequency). This variant has not been reported in the literature in individuals affected with EIF2B1-related conditions. ClinVar contains an entry for this variant (Variation ID: 1465594). Advanced modeling of protein sequence and biophysical properties (such as structural, functional, and spatial information, amino acid conservation, physicochemical variation, residue mobility, and thermodynamic stability) performed at Invitae indicates that this missense variant is not expected to disrupt EIF2B1 protein function with a negative predictive value of 80%. In summary, the available evidence is currently insufficient to determine the role of this variant in disease. Therefore, it has been classified as a Variant of Uncertain Significance.